The following is an entry in ClinVar:

NM_000059.4(BRCA2):c.6287C>T (p.Pro2096Leu)

Gene: BRCA2 (BRCA2 DNA repair associated; plus strand). Cytogenetic location: 13q13.1.
Variant type: single nucleotide variant.
Coding change: c.6287C>T on transcript NM_000059.4 (MANE Select); coding-DNA position 6287, C replaced by T.
Protein change: p.Pro2096Leu; replaces proline 2096 with leucine.
Molecular consequence: missense variant.
Genome position (GRCh38, 1-based): chr13:32,340,642, C>T. VCF-style: chr13-32340642-C-T. GRCh37 (hg19) VCF-style: chr13-32914779-C-T.
Other names: short protein forms P2096L.
Identifiers: ClinVar variation 1021083 (VCV001021083.11), dbSNP rs587781396, ClinGen allele CA387789005.

ClinVar aggregate classification (germline): Conflicting classifications of pathogenicity. Review status: criteria provided, conflicting classifications (1 of 4 stars). 3 submissions from 3 submitters: Uncertain significance (2); Likely benign (1). Last evaluated 2024-01-11.

Conditions:
Hereditary cancer-predisposing syndrome. Also called: Hereditary neoplastic syndrome; Neoplastic Syndromes, Hereditary; Tumor predisposition; Hereditary Cancer Syndrome. Identifiers: Orphanet 140162, MedGen C0027672, MeSH D009386, MONDO:0015356.
Hereditary breast ovarian cancer syndrome. Also called: BRCA1- and BRCA2-Associated Hereditary Breast and Ovarian Cancer; Hereditary breast and/or ovarian cancer syndrome; Hereditary breast and ovarian cancer syndrome; Hereditary breast and ovarian cancer syndrome (HBOC); Breast and ovarian cancer; Hereditary breast and ovarian cancer. Identifiers: Orphanet 145, MedGen C0677776, MeSH D061325, MONDO:0003582. Disease mechanism: loss of function.
Breast-ovarian cancer, familial, susceptibility to, 2 (BROVCA2). Also called: BRCA2 Hereditary Breast and Ovarian Cancer. Identifiers: Orphanet 145, MedGen C2675520, MONDO:0012933, OMIM 612555. Disease mechanism: loss of function.

Submissions (3):

All of Us Research Program, National Institutes of Health
Classification: Uncertain significance for Breast-ovarian cancer, familial, susceptibility to, 2. Last evaluated: 2024-01-11. Review status: criteria provided, single submitter. Criteria: ACMG Guidelines, 2015. Collection method: clinical testing. Allele origin: germline. Inheritance: Autosomal dominant inheritance. Observed: 1 variant allele, 1 heterozygote.
Comment: This study involves interpretation of variants in research participants for the purpose of population health screening. Participant phenotype was not available at the time of variant classification. Additional details can be found in publication PMID: 35346344, PMCID: PMC8962531

University of Washington Department of Laboratory Medicine, University of Washington
Classification: Likely benign for Hereditary cancer-predisposing syndrome. Last evaluated: 2023-03-23. Review status: criteria provided, single submitter. Criteria: Dines et al. (Genet Med. 2020). Collection method: curation. Allele origin: germline.
Comment: Missense variant in a coldspot region where missense variants are very unlikely to be pathogenic (PMID:31911673).

BRCA2 exon 11 coldspot. Reclassification based on statistical prior probability.

Labcorp Genetics (formerly Invitae), Labcorp
Classification: Uncertain significance for Hereditary breast ovarian cancer syndrome. Last evaluated: 2020-06-17. Review status: criteria provided, single submitter. Criteria: Invitae Variant Classification Sherloc (09022015). Collection method: clinical testing. Allele origin: germline.
Comment: This sequence change replaces proline with leucine at codon 2096 of the BRCA2 protein (p.Pro2096Leu). The proline residue is weakly conserved and there is a moderate physicochemical difference between proline and leucine. This variant is not present in population databases (ExAC no frequency). This variant has been observed in individual(s) with breast cancer (PMID: 14722926, 26733283). Algorithms developed to predict the effect of missense changes on protein structure and function are either unavailable or do not agree on the potential impact of this missense change (SIFT: "Tolerated"; PolyPhen-2: "Probably Damaging"; Align-GVGD: "Class C0"). In summary, the available evidence is currently insufficient to determine the role of this variant in disease. Therefore, it has been classified as a Variant of Uncertain Significance.

Literature cited by the submitters: PubMed 14722926 (cited by Labcorp Genetics (formerly Invitae), Labcorp); PubMed 26733283 (cited by Labcorp Genetics (formerly Invitae), Labcorp).